The following is an entry in ClinVar:

NM_017999.5(RNF31):c.752C>T (p.Ala251Val)

Gene: RNF31 (ring finger protein 31; plus strand). Cytogenetic location: 14q12.
Variant type: single nucleotide variant.
Coding change: c.752C>T on transcript NM_017999.5 (MANE Select); coding-DNA position 752, C replaced by T.
Protein change: p.Ala251Val; replaces alanine 251 with valine.
Molecular consequence: missense variant.
Genome position (GRCh38, 1-based): chr14:24,149,526, C>T. VCF-style: chr14-24149526-C-T. GRCh37 (hg19) VCF-style: chr14-24618735-C-T.
Other names: c.299C>T, p.Ala100Val (NM_001310332.2); short protein forms A100V, A251V.
Identifiers: ClinVar variation 1407082 (VCV001407082.7), dbSNP rs761330937, ClinGen allele CA7125608.

ClinVar aggregate classification (germline): Uncertain significance. Review status: criteria provided, multiple submitters, no conflicts (2 of 4 stars). 2 submissions from 2 submitters: Uncertain significance (2). Last evaluated 2025-02-26.

Allele frequency attached by ClinVar (database versions not stated): gnomAD exomes 0.00001 and 0.00002; ExAC 0.00002; gnomAD 0.00002 and 0.00003.
gnomAD v4.1: 33 of 1,614,034 alleles (0.002%); highest among the groups gnomAD compares: Admixed American, 0.0083%; no homozygotes.

Submissions (2):

Labcorp Genetics (formerly Invitae), Labcorp
Classification: Uncertain significance. Last evaluated: 2025-02-26. Review status: criteria provided, single submitter. Criteria: Invitae Variant Classification Sherloc (09022015). Collection method: clinical testing. Allele origin: germline.
Comment: This sequence change replaces alanine, which is neutral and non-polar, with valine, which is neutral and non-polar, at codon 251 of the RNF31 protein (p.Ala251Val). This variant is present in population databases (rs761330937, gnomAD 0.002%). This variant has not been reported in the literature in individuals affected with RNF31-related conditions. ClinVar contains an entry for this variant (Variation ID: 1407082). An algorithm developed to predict the effect of missense changes on protein structure and function (PolyPhen-2) suggests that this variant is likely to be disruptive. In summary, the available evidence is currently insufficient to determine the role of this variant in disease. Therefore, it has been classified as a Variant of Uncertain Significance.

Blueprint Genetics
Classification: Uncertain significance. Last evaluated: 2021-04-23. Review status: criteria provided, single submitter. Criteria: ACMG Guidelines, 2015. Collection method: clinical testing. Allele origin: germline.